The following is an entry in ClinVar:

ClinVar aggregate classification (germline): Uncertain significance. Review status: criteria provided, multiple submitters, no conflicts (2 of 4 stars). 2 submissions from 2 submitters: Uncertain significance (2). Last evaluated 2022-11-30.

Conditions:
Inborn genetic diseases. Identifiers: MedGen C0950123, MeSH D030342.

Submissions (2):

Ambry Genetics
Classification: Uncertain significance for Inborn genetic diseases. Last evaluated: 2022-11-30. Review status: criteria provided, single submitter. Criteria: Ambry Variant Classification Scheme 2023. Collection method: clinical testing. Allele origin: germline.

Labcorp Genetics (formerly Invitae), Labcorp
Classification: Uncertain significance. Last evaluated: 2021-09-24. Review status: criteria provided, single submitter. Criteria: Invitae Variant Classification Sherloc (09022015). Collection method: clinical testing. Allele origin: germline.
Comment: In summary, the available evidence is currently insufficient to determine the role of this variant in disease. Therefore, it has been classified as a Variant of Uncertain Significance. Algorithms developed to predict the effect of missense changes on protein structure and function output the following: SIFT: "Not Available"; PolyPhen-2: "Benign"; Align-GVGD: "Not Available". The serine amino acid residue is found in multiple mammalian species, which suggests that this missense change does not adversely affect protein function. This variant has not been reported in the literature in individuals affected with ADAMTS18-related conditions. This variant is not present in population databases (ExAC no frequency). This sequence change replaces proline with serine at codon 1167 of the ADAMTS18 protein (p.Pro1167Ser). The proline residue is moderately conserved and there is a moderate physicochemical difference between proline and serine.

NM_199355.4(ADAMTS18):c.3499C>T (p.Pro1167Ser)

Genes: ADAMTS18 (ADAM metallopeptidase with thrombospondin type 1 motif 18; minus strand), LOC126862407 (CDK7 strongly-dependent group 2 enhancer GRCh37_chr16:77322970-77324169; plus strand). Cytogenetic location: 16q23.1.
Variant type: single nucleotide variant.
Coding change: c.3499C>T on transcript NM_199355.4 (MANE Select); coding-DNA position 3499, C replaced by T.
Protein change: p.Pro1167Ser; replaces proline 1167 with serine.
Molecular consequence: missense variant.
Genome position (GRCh38, 1-based): chr16:77,289,315, G>A on the plus strand (C>T on the coding strand, the complement: ADAMTS18 is on the minus strand). VCF-style: chr16-77289315-G-A. GRCh37 (hg19) VCF-style: chr16-77323212-G-A.
Other names: c.3499C>T (NM_199355.2); c.2983C>T, p.Pro995Ser (NM_001326358.2); short protein forms P1167S, P995S.
Identifiers: ClinVar variation 1463419 (VCV001463419.7), dbSNP rs2144558430, ClinGen allele CA396830393.